The following is an entry in ClinVar:

ClinVar aggregate classification (germline): Likely benign (0 of 4 stars; one submission).

Conditions:
SLC27A5-related disorder. Also called: SLC27A5-related condition.

Allele frequency attached by ClinVar (database versions not stated): gnomAD 0.00006; 1000 Genomes Project 30x 0.00016; 1000 Genomes Project 0.00020.
gnomAD v4.1: 32 of 1,564,004 alleles (0.002%); highest among the groups gnomAD compares: East Asian, 0.014%; no homozygotes.

Submission:

PreventionGenetics, part of Exact Sciences
Classification: Likely benign for SLC27A5-related condition. Last evaluated: 2021-03-29. Review status: no assertion criteria provided. Collection method: clinical testing. Allele origin: germline.
Comment: This variant is classified as likely benign based on ACMG/AMP sequence variant interpretation guidelines (Richards et al. 2015 PMID: 25741868, with internal and published modifications).

NM_012254.3(SLC27A5):c.420C>T (p.Ala140=)

Gene: SLC27A5 (solute carrier family 27 member 5; minus strand). Cytogenetic location: 19q13.43.
Variant type: single nucleotide variant.
Coding change: c.420C>T on transcript NM_012254.3 (MANE Select); coding-DNA position 420, C replaced by T.
Protein change: p.Ala140=; no amino-acid change (alanine 140 retained).
Molecular consequence: synonymous variant.
Genome position (GRCh38, 1-based): chr19:58,511,536, G>A on the plus strand (C>T on the coding strand, the complement: SLC27A5 is on the minus strand). VCF-style: chr19-58511536-G-A. GRCh37 (hg19) VCF-style: chr19-59022903-G-A.
Other names: c.420C>T, p.Ala140= (NM_001321196.2).
Identifiers: ClinVar variation 3031154 (VCV003031154.2), dbSNP rs532241719, ClinGen allele CA9718288.